The following is an entry in ClinVar:

NM_004553.3(NDUFS6):c.-46A>G

Genes: MRPL36 (mitochondrial ribosomal protein L36; minus strand), NDUFS6 (NADH:ubiquinone oxidoreductase subunit S6; plus strand). Cytogenetic location: 5p15.33.
Variant type: single nucleotide variant.
Coding change: c.-46A>G on transcript NM_004553.3; 46 bases upstream of the start codon, A replaced by G.
Genome position (GRCh38, 1-based): chr5:1,801,372, A>G. VCF-style: chr5-1801372-A-G. GRCh37 (hg19) VCF-style: chr5-1801486-A-G.
Identifiers: ClinVar variation 389200 (VCV000389200.3), dbSNP rs899188300, ClinGen allele CA16604886.

ClinVar aggregate classification (germline): Likely benign (1 of 4 stars; one submission).

Submission:

GeneDx
Classification: Likely benign. Last evaluated: 2016-09-28. Review status: criteria provided, single submitter. Criteria: GeneDx Variant Classification (06012015). Collection method: clinical testing. Allele origin: germline. Affected: yes.
Comment: This variant is considered likely benign or benign based on one or more of the following criteria: it is a conservative change, it occurs at a poorly conserved position in the protein, it is predicted to be benign by multiple in silico algorithms, and/or has population frequency not consistent with disease.